The following is an entry in ClinVar:

NM_000059.4(BRCA2):c.4773_4774del (p.Cys1591_Lys1592delinsTer)

Gene: BRCA2 (BRCA2 DNA repair associated; plus strand). Cytogenetic location: 13q13.1.
Variant type: Deletion.
Coding change: c.4773_4774del on transcript NM_000059.4 (MANE Select); coding-DNA positions 4773 to 4774, 2 bases deleted (TA; older notation c.4773_4774delTA).
Protein change: p.Cys1591_Lys1592delinsTer.
Molecular consequence: nonsense. On other transcripts: non-coding transcript variant (1), intron variant (2).
Genome position (GRCh38, 1-based): chr13:32,339,128-32,339,129, TA deleted. VCF-style (leftmost placement, unchanged base first): chr13-32339127-GTA-G. GRCh37 (hg19) VCF-style: chr13-32913264-GTA-G.
Other names: c.4773_4774del, p.Cys1591_Lys1592delinsTer (NM_001406719.1, NM_001406720.1); c.1910-5430_1910-5429del (NM_001406721.1); c.425-5430_425-5429del (NM_001406722.1).
Identifiers: ClinVar variation 2674012 (VCV002674012.1), dbSNP rs2548529311, ClinGen allele CA2695199686.

ClinVar aggregate classification (germline): Pathogenic (1 of 4 stars; one submission).

Conditions:
Breast-ovarian cancer, familial, susceptibility to, 2 (BROVCA2). Also called: BRCA2 Hereditary Breast and Ovarian Cancer. Identifiers: Orphanet 145, MedGen C2675520, MONDO:0012933, OMIM 612555. Disease mechanism: loss of function.

Submission:

Myriad Genetics, Inc.
Classification: Pathogenic for Breast-ovarian cancer, familial, susceptibility to, 2. Last evaluated: 2023-11-17. Review status: criteria provided, single submitter. Criteria: Myriad Autosomal Dominant, Autosomal Recessive and X-Linked Classification Criteria (2023). Collection method: clinical testing. Allele origin: unknown.
Comment: This variant is considered pathogenic. This variant creates a termination codon and is predicted to result in premature protein truncation.